The following is an entry in ClinVar:

NM_006389.5(HYOU1):c.2239A>C (p.Ile747Leu)

Gene: HYOU1 (hypoxia up-regulated 1; minus strand). Cytogenetic location: 11q23.3.
Variant type: single nucleotide variant.
Coding change: c.2239A>C on transcript NM_006389.5 (MANE Select); coding-DNA position 2239, A replaced by C.
Protein change: p.Ile747Leu; replaces isoleucine 747 with leucine.
Molecular consequence: missense variant.
Genome position (GRCh38, 1-based): chr11:119,048,490, T>G on the plus strand (A>C on the coding strand, the complement: HYOU1 is on the minus strand). VCF-style: chr11-119048490-T-G. GRCh37 (hg19) VCF-style: chr11-118919202-T-G.
Other names: c.2239A>C, p.Ile747Leu (NM_001130991.3, NM_001411041.1); short protein forms I747L.
Identifiers: ClinVar variation 1904837 (VCV001904837.5), dbSNP rs200405558, ClinGen allele CA229618890.

ClinVar aggregate classification (germline): Uncertain significance (1 of 4 stars; one submission).

gnomAD v4.1: 4 of 1,613,882 alleles (0.00025%); highest among the groups gnomAD compares: Admixed American, 0.005%; no homozygotes.

Submission:

Labcorp Genetics (formerly Invitae), Labcorp
Classification: Uncertain significance. Last evaluated: 2024-11-29. Review status: criteria provided, single submitter. Criteria: Invitae Variant Classification Sherloc (09022015). Collection method: clinical testing. Allele origin: germline.
Comment: This sequence change replaces isoleucine, which is neutral and non-polar, with leucine, which is neutral and non-polar, at codon 747 of the HYOU1 protein (p.Ile747Leu). This variant is present in population databases (no rsID available, gnomAD 0.003%). This variant has not been reported in the literature in individuals affected with HYOU1-related conditions. ClinVar contains an entry for this variant (Variation ID: 1904837). An algorithm developed to predict the effect of missense changes on protein structure and function (PolyPhen-2) suggests that this variant is likely to be tolerated. In summary, the available evidence is currently insufficient to determine the role of this variant in disease. Therefore, it has been classified as a Variant of Uncertain Significance.